The following is an entry in ClinVar:

NM_002764.4(PRPS1):c.74T>C (p.Leu25Pro)

Gene: PRPS1 (phosphoribosyl pyrophosphate synthetase 1; plus strand). Cytogenetic location: Xq22.3.
Variant type: single nucleotide variant.
Coding change: c.74T>C on transcript NM_002764.4 (MANE Select); coding-DNA position 74, T replaced by C.
Protein change: p.Leu25Pro; replaces leucine 25 with proline.
Molecular consequence: missense variant. On other transcripts: 5 prime UTR variant (1).
Genome position (GRCh38, 1-based): chrX:107,628,702, T>C. VCF-style: chrX-107628702-T-C. GRCh37 (hg19) VCF-style: chrX-106871932-T-C.
Other names: c.-131T>C (NM_001204402.2); short protein forms L25P.
Identifiers: ClinVar variation 2673251 (VCV002673251.23), dbSNP rs2521317854, ClinGen allele CA413800131.
Genomic context (GRCh38, chrX:107,628,702, plus strand): 5'-AAATCTTCAGCGGCAGCTCCCACCAGGACTTATCTCAGAAAATTGCTGACCGCCTGGGCC[T>C]GGAGCTAGGCAAGGTGGTGACTAAGAAATTCAGCAACCAGGAGACCTGGTAAGGACCAAG-3'
Protein context (NP_002755.1, residues 15-35): LSQKIADRLG[Leu25Pro]ELGKVVTKKF

ClinVar aggregate classification (germline): Likely pathogenic (1 of 4 stars; one submission).

Submission:

CeGaT Center for Human Genetics Tuebingen
Classification: Likely pathogenic. Last evaluated: 2024-01-01. Review status: criteria provided, single submitter. Criteria: CeGaT Center For Human Genetics Tuebingen Variant Classification Criteria Version 2. Collection method: clinical testing. Allele origin: germline. Affected: yes. Observed: 2 variant alleles.
Comment: PRPS1: PM1, PM2, PP2, PP3